The following is an entry in ClinVar:

NM_000548.5(TSC2):c.1467C>T (p.Val489=)

Gene: TSC2 (TSC complex subunit 2; plus strand). Cytogenetic location: 16p13.3.
Variant type: single nucleotide variant.
Coding change: c.1467C>T on transcript NM_000548.5 (MANE Select); coding-DNA position 1467, C replaced by T.
Protein change: p.Val489=; no amino-acid change (valine 489 retained).
Molecular consequence: synonymous variant. On other transcripts: 5 prime UTR variant (1), non-coding transcript variant (5).
Genome position (GRCh38, 1-based): chr16:2,064,295, C>T. VCF-style: chr16-2064295-C-T. GRCh37 (hg19) VCF-style: chr16-2114296-C-T.
Other names: c.1467C>T, p.Val489= (NM_001077183.3, NM_001114382.3, NM_001363528.2 and 6 more transcripts); c.1356C>T, p.Val452= (NM_001318827.2, NM_001406670.1, NM_001406678.1); c.1320C>T, p.Val440= (NM_001318829.2, NM_001406675.1, NM_001406676.1 and 1 more transcripts); c.867C>T, p.Val289= (NM_001318831.2, NM_001406680.1, NM_001406682.1 and 6 more transcripts); c.1500C>T, p.Val500= (NM_001318832.2); c.1557C>T, p.Val519= (NM_001406667.1, NM_001406668.1); c.1455C>T, p.Val485= (NM_001406671.1, NM_001406673.1); c.1410C>T, p.Val470= (NM_001406677.1); and 3 more.
Identifiers: ClinVar variation 3669547 (VCV003669547.2).

ClinVar aggregate classification (germline): Uncertain significance (1 of 4 stars; one submission).

Conditions:
Tuberous sclerosis 2 (TSC2). Identifiers: Orphanet 805, MedGen C1860707, MONDO:0013199, OMIM 613254.

Submission:

Labcorp Genetics (formerly Invitae), Labcorp
Classification: Uncertain significance for Tuberous sclerosis 2. Last evaluated: 2024-05-10. Review status: criteria provided, single submitter. Criteria: Invitae Variant Classification Sherloc (09022015). Collection method: clinical testing. Allele origin: germline.
Comment: This sequence change affects codon 489 of the TSC2 mRNA. It is a 'silent' change, meaning that it does not change the encoded amino acid sequence of the TSC2 protein. This variant is not present in population databases (gnomAD no frequency). This variant has not been reported in the literature in individuals affected with TSC2-related conditions. Algorithms developed to predict the effect of sequence changes on RNA splicing suggest that this variant may disrupt the consensus splice site. In summary, the available evidence is currently insufficient to determine the role of this variant in disease. Therefore, it has been classified as a Variant of Uncertain Significance.